The following is an entry in ClinVar:

NM_004360.5(CDH1):c.2636G>A (p.Gly879Asp)

Gene: CDH1 (cadherin 1; plus strand). Cytogenetic location: 16q22.1.
Variant type: single nucleotide variant.
Coding change: c.2636G>A on transcript NM_004360.5 (MANE Select); coding-DNA position 2636, G replaced by A.
Protein change: p.Gly879Asp; replaces glycine 879 with aspartic acid.
Molecular consequence: missense variant.
Genome position (GRCh38, 1-based): chr16:68,833,486, G>A. VCF-style: chr16-68833486-G-A. GRCh37 (hg19) VCF-style: chr16-68867389-G-A.
Other names: c.2453G>A, p.Gly818Asp (NM_001317184.2); c.1088G>A, p.Gly363Asp (NM_001317185.2); c.671G>A, p.Gly224Asp (NM_001317186.2); short protein forms G224D, G363D, G818D, G879D.
Identifiers: ClinVar variation 2897774 (VCV002897774.3), dbSNP rs1567517888, ClinGen allele CA396472896.

ClinVar aggregate classification (germline): Uncertain significance (1 of 4 stars; one submission).

Conditions:
Hereditary diffuse gastric adenocarcinoma (HDGC). Also called: DIFFUSE GASTRIC AND LOBULAR BREAST CANCER SYNDROME. Identifiers: Orphanet 26106, MedGen C1708349, MONDO:0007648, OMIM 137215.

Submission:

Labcorp Genetics (formerly Invitae), Labcorp
Classification: Uncertain significance for Hereditary diffuse gastric adenocarcinoma. Last evaluated: 2023-08-09. Review status: criteria provided, single submitter. Criteria: Invitae Variant Classification Sherloc (09022015). Collection method: clinical testing. Allele origin: germline.
Comment: This variant is not present in population databases (gnomAD no frequency). This variant has not been reported in the literature in individuals affected with CDH1-related conditions. An algorithm developed to predict the effect of missense changes on protein structure and function (PolyPhen-2) suggests that this variant is likely to be disruptive. In summary, the available evidence is currently insufficient to determine the role of this variant in disease. Therefore, it has been classified as a Variant of Uncertain Significance. This sequence change replaces glycine, which is neutral and non-polar, with aspartic acid, which is acidic and polar, at codon 879 of the CDH1 protein (p.Gly879Asp).